The following is an entry in ClinVar:

ClinVar aggregate classification (germline): Uncertain significance (1 of 4 stars; one submission).

Conditions:
Dermatitis, atopic, 2. Identifiers: MedGen C1853965, MONDO:0011596, OMIM 605803.
Ichthyosis vulgaris. Also called: ICHTHYOSIS SIMPLEX; Dominant ichthyosis vulgaris. Identifiers: MedGen C0079584, MONDO:0024304, OMIM 146700.

Submission:

Juno Genomics, Hangzhou Juno Genomics, Inc
Classification: Uncertain significance for Dermatitis, atopic, 2; Ichthyosis vulgaris. Review status: criteria provided, single submitter. Criteria: ACMG Guidelines, 2015. Collection method: clinical testing. Allele origin: germline.
Comment: Absent from controls (or at extremely low frequency if recessive) in Genome Aggregation Database.;Null variant in a gene where loss of function (LOF) is a known mechanism of disease.

NM_002016.2(FLG):c.4821_4822del (p.Arg1609fs)

Genes: CCDST (cervical cancer associated DHX9 suppressive transcript; plus strand), FLG (filaggrin; minus strand). Cytogenetic location: 1q21.3.
Variant type: Deletion.
Coding change: c.4821_4822del on transcript NM_002016.2 (MANE Select); coding-DNA positions 4821 to 4822, 2 bases deleted (TG; older notation c.4821_4822delTG).
Protein change: p.Arg1609fs; shifts the reading frame from arginine 1609.
Molecular consequence: frameshift variant.
Genome position (GRCh38, 1-based): chr1:152,310,064-152,310,065, CA deleted on the plus strand (TG on the coding strand, the reverse complement: FLG is on the minus strand). VCF-style (leftmost placement, unchanged base first): chr1-152310063-TCA-T. GRCh37 (hg19) VCF-style: chr1-152282539-TCA-T.
Other names: short protein forms R1609fs.
Identifiers: ClinVar variation 5020035 (VCV005020035.2).